The following is an entry in ClinVar:

NM_004304.5(ALK):c.20T>C (p.Leu7Pro)

Gene: ALK (ALK receptor tyrosine kinase; minus strand). Cytogenetic location: 2p23.1.
Variant type: single nucleotide variant.
Coding change: c.20T>C on transcript NM_004304.5 (MANE Select); coding-DNA position 20, T replaced by C.
Protein change: p.Leu7Pro; replaces leucine 7 with proline.
Molecular consequence: missense variant.
Genome position (GRCh38, 1-based): chr2:29,920,640, A>G on the plus strand (T>C on the coding strand, the complement: ALK is on the minus strand). VCF-style: chr2-29920640-A-G. GRCh37 (hg19) VCF-style: chr2-30143506-A-G.
Other names: c.20T>C (NM_004304.4); short protein forms L7P.
Identifiers: ClinVar variation 1500346 (VCV001500346.9), dbSNP rs1351584977, ClinGen allele CA346590835.

ClinVar aggregate classification (germline): Uncertain significance. Review status: criteria provided, multiple submitters, no conflicts (2 of 4 stars). 2 submissions from 2 submitters: Uncertain significance (2). Last evaluated 2026-06-22.

Conditions:
Neuroblastoma, susceptibility to, 3. Also called: ALK-Related Neuroblastic Tumor Susceptibility. Identifiers: Orphanet 635, MedGen C2751681, MONDO:0013083, OMIM 613014.
Hereditary cancer-predisposing syndrome. Also called: Hereditary Cancer Syndrome; Tumor predisposition; Neoplastic Syndromes, Hereditary; Hereditary neoplastic syndrome. Identifiers: Orphanet 140162, MedGen C0027672, MeSH D009386, MONDO:0015356.

Submissions (2):

Ambry Genetics
Classification: Uncertain significance for Hereditary cancer-predisposing syndrome. Last evaluated: 2026-06-22. Review status: criteria provided, single submitter. Criteria: Ambry Variant Classification Scheme 2023. Collection method: clinical testing. Allele origin: germline.
Comment: The p.L7P variant (also known as c.20T>C), located in coding exon 1 of the ALK gene, results from a T to C substitution at nucleotide position 20. The leucine at codon 7 is replaced by proline, an amino acid with similar properties. This amino acid position is not well conserved in available vertebrate species. In addition, this alteration is predicted to be tolerated by in silico analysis. Based on the available evidence, the clinical significance of this variant remains unclear.

Labcorp Genetics (formerly Invitae), Labcorp
Classification: Uncertain significance for Neuroblastoma, susceptibility to, 3. Last evaluated: 2021-04-27. Review status: criteria provided, single submitter. Criteria: Invitae Variant Classification Sherloc (09022015). Collection method: clinical testing. Allele origin: germline.
Comment: This sequence change replaces leucine with proline at codon 7 of the ALK protein (p.Leu7Pro). The leucine residue is moderately conserved and there is a moderate physicochemical difference between leucine and proline. The frequency data for this variant in the population databases is considered unreliable, as metrics indicate insufficient coverage at this position in the ExAC database. This variant has not been reported in the literature in individuals with ALK-related conditions. Algorithms developed to predict the effect of missense changes on protein structure and function output the following: SIFT: "Deleterious"; PolyPhen-2: "Benign"; Align-GVGD: "Class C0". The proline amino acid residue is found in multiple mammalian species, suggesting that this missense change does not adversely affect protein function. These predictions have not been confirmed by published functional studies and their clinical significance is uncertain. In summary, the available evidence is currently insufficient to determine the role of this variant in disease. Therefore, it has been classified as a Variant of Uncertain Significance.